The following is an entry in ClinVar:

ClinVar aggregate classification (germline): Likely benign (0 of 4 stars; one submission).

Conditions:
PPFIBP2-related disorder. Also called: PPFIBP2-related condition.

Allele frequency attached by ClinVar (database versions not stated): 1000 Genomes Project 30x 0.00016; 1000 Genomes Project 0.00020; ESP Exome Variant Server 0.00023; ExAC 0.00031; gnomAD 0.00049; TOPMed 0.00065.
gnomAD v4.1: 1,043 of 1,614,158 alleles (0.065%); highest among the groups gnomAD compares: Non-Finnish European, 0.079%; 2 homozygotes.

Submission:

PreventionGenetics, part of Exact Sciences
Classification: Likely benign for PPFIBP2-related condition. Last evaluated: 2023-02-20. Review status: no assertion criteria provided. Collection method: clinical testing. Allele origin: germline.
Comment: This variant is classified as likely benign based on ACMG/AMP sequence variant interpretation guidelines (Richards et al. 2015 PMID: 25741868, with internal and published modifications).

NM_003621.5(PPFIBP2):c.2616G>A (p.Val872=)

Gene: PPFIBP2 (PPFIA binding protein 2; plus strand). Cytogenetic location: 11p15.4.
Variant type: single nucleotide variant.
Coding change: c.2616G>A on transcript NM_003621.5 (MANE Select); coding-DNA position 2616, G replaced by A.
Protein change: p.Val872=; no amino-acid change (valine 872 retained).
Molecular consequence: synonymous variant. On other transcripts: non-coding transcript variant (1), intron variant (4).
Genome position (GRCh38, 1-based): chr11:7,653,203, G>A. VCF-style: chr11-7653203-G-A. GRCh37 (hg19) VCF-style: chr11-7674434-G-A.
Other names: c.2280G>A, p.Val760= (NM_001256568.2); c.2187G>A, p.Val729= (NM_001256569.2); c.2649G>A, p.Val883= (NM_001351855.2); c.2622G>A, p.Val874= (NM_001351856.2); c.2418G>A, p.Val806= (NM_001351859.2); c.2409G>A, p.Val803= (NM_001351860.2); c.2385G>A, p.Val795= (NM_001351861.2); c.2616G>A, p.Val872= (NM_001351862.2); and 4 more.
Identifiers: ClinVar variation 3040605 (VCV003040605.2), dbSNP rs148183299, ClinGen allele CA5867408.